The following is an entry in ClinVar:

NM_003072.5(SMARCA4):c.4395T>C (p.Ile1465=)

Gene: SMARCA4 (SWI/SNF related BAF chromatin remodeling complex subunit ATPase 4; plus strand). Cytogenetic location: 19p13.2.
Variant type: single nucleotide variant.
Coding change: c.4395T>C on transcript NM_003072.5 (MANE Select); coding-DNA position 4395, T replaced by C.
Protein change: p.Ile1465=; no amino-acid change (isoleucine 1465 retained).
Molecular consequence: synonymous variant. On other transcripts: non-coding transcript variant (1).
Genome position (GRCh38, 1-based): chr19:11,041,531, T>C. VCF-style: chr19-11041531-T-C. GRCh37 (hg19) VCF-style: chr19-11152207-T-C.
Other names: c.4395T>C, p.Ile1465= (NM_001128844.3); c.4305T>C, p.Ile1435= (NM_001128845.2, NM_001128846.2); c.4296T>C, p.Ile1432= (NM_001128847.4, NM_001128848.2, NM_001374457.1); c.4491T>C, p.Ile1497= (NM_001128849.3, NM_001387283.1).
Identifiers: ClinVar variation 480597 (VCV000480597.17), dbSNP rs1022708983, ClinGen allele CA305294430.

ClinVar aggregate classification (germline): Benign/Likely benign. Review status: criteria provided, multiple submitters, no conflicts (2 of 4 stars). 4 submissions from 4 submitters: Benign (1); Likely benign (3). Last evaluated 2026-09-01.

Conditions:
Rhabdoid tumor predisposition syndrome 2 (RTPS2). Identifiers: Orphanet 231108, Orphanet 69077, MedGen C2750074, MONDO:0013224, OMIM 613325.
Hereditary cancer-predisposing syndrome. Also called: Tumor predisposition; Neoplastic Syndromes, Hereditary; Hereditary Cancer Syndrome; Hereditary neoplastic syndrome. Identifiers: Orphanet 140162, MedGen C0027672, MeSH D009386, MONDO:0015356.

Allele frequency attached by ClinVar (database versions not stated): gnomAD exomes below 0.00001; TOPMed below 0.00001.
gnomAD v4.1: 6 of 1,555,804 alleles (0.00039%); highest among the groups gnomAD compares: Non-Finnish European, 0.00053%; no homozygotes.

Submissions (4):

CeGaT Center for Human Genetics Tuebingen
Classification: Likely benign. Last evaluated: 2026-09-01. Review status: criteria provided, single submitter. Criteria: CeGaT Center For Human Genetics Tuebingen Variant Classification Criteria Version 2. Collection method: clinical testing. Allele origin: germline. Affected: yes. Observed: 3 variant alleles.
Comment: SMARCA4: BP4, BP7

Myriad Genetics, Inc.
Classification: Benign for Rhabdoid tumor predisposition syndrome 2. Last evaluated: 2026-07-22. Review status: criteria provided, single submitter. Criteria: Myriad Autosomal Dominant, Autosomal Recessive and X-Linked Classification Criteria (2023). Collection method: clinical testing. Allele origin: unknown.
Comment: This variant is considered benign. This variant is a silent/synonymous amino acid change and it is not expected to impact splicing.

Labcorp Genetics (formerly Invitae), Labcorp
Classification: Likely benign for Rhabdoid tumor predisposition syndrome 2. Last evaluated: 2025-07-17. Review status: criteria provided, single submitter. Criteria: Invitae Variant Classification Sherloc (09022015). Collection method: clinical testing. Allele origin: germline.

Ambry Genetics
Classification: Likely benign for Hereditary cancer-predisposing syndrome. Last evaluated: 2017-08-15. Review status: criteria provided, single submitter. Criteria: Ambry Variant Classification Scheme 2023. Collection method: clinical testing. Allele origin: germline.